The following is an entry in ClinVar:

ClinVar aggregate classification (germline): Uncertain significance (1 of 4 stars; one submission).

Conditions:
Neuronopathy, distal hereditary motor, type 7A. Also called: HARPER-YOUNG MYOPATHY; HMN VIIA; SPINAL MUSCULAR ATROPHY, DISTAL, WITH VOCAL CORD PARALYSIS; Neuronopathy, distal hereditary motor, type viia; NEURONOPATHY, DISTAL HEREDITARY MOTOR, HARDING TYPE VIIA; NEUROPATHY, DISTAL HEREDITARY MOTOR, HARDING TYPE VIIA. Identifiers: Orphanet 139589, MedGen C1834703, MONDO:0008024, OMIM 158580.
Congenital myasthenic syndrome 20. Also called: Myasthenic syndrome, congenital, 20, presynaptic. Identifiers: MedGen C4310694, MONDO:0014939, OMIM 617143.

Allele frequency attached by ClinVar (database versions not stated): gnomAD 0.00001.
gnomAD v4.1: 3 of 1,614,024 alleles (0.00019%); highest among the groups gnomAD compares: Admixed American, 0.005%; no homozygotes.

Submission:

Labcorp Genetics (formerly Invitae), Labcorp
Classification: Uncertain significance for Neuronopathy, distal hereditary motor, type 7A; Congenital myasthenic syndrome 20. Last evaluated: 2025-12-24. Review status: criteria provided, single submitter. Criteria: Invitae Variant Classification Sherloc (09022015). Collection method: clinical testing. Allele origin: germline.
Comment: This sequence change replaces arginine, which is basic and polar, with leucine, which is neutral and non-polar, at codon 38 of the SLC5A7 protein (p.Arg38Leu). This variant is present in population databases (no rsID available, gnomAD 0.006%). This variant has not been reported in the literature in individuals affected with SLC5A7-related conditions. ClinVar contains an entry for this variant (Variation ID: 2925074). Invitae Evidence Modeling of protein sequence and biophysical properties (such as structural, functional, and spatial information, amino acid conservation, physicochemical variation, residue mobility, and thermodynamic stability) indicates that this missense variant is not expected to disrupt SLC5A7 protein function with a negative predictive value of 80%. In summary, the available evidence is currently insufficient to determine the role of this variant in disease. Therefore, it has been classified as a Variant of Uncertain Significance.

NM_021815.5(SLC5A7):c.113G>T (p.Arg38Leu)

Gene: SLC5A7 (solute carrier family 5 member 7; plus strand). Cytogenetic location: 2q12.3.
Variant type: single nucleotide variant.
Coding change: c.113G>T on transcript NM_021815.5 (MANE Select); coding-DNA position 113, G replaced by T.
Protein change: p.Arg38Leu; replaces arginine 38 with leucine.
Molecular consequence: missense variant. On other transcripts: 5 prime UTR variant (1), intron variant (1).
Genome position (GRCh38, 1-based): chr2:107,988,268, G>T. VCF-style: chr2-107988268-G-T. GRCh37 (hg19) VCF-style: chr2-108604724-G-T.
Other names: c.113G>T, p.Arg38Leu (NM_001305005.3); c.-592G>T (NM_001305007.3); c.-138+1505G>T (NM_001305006.3); short protein forms R38L.
Identifiers: ClinVar variation 2925074 (VCV002925074.3), dbSNP rs1054170676, ClinGen allele CA348019910.